The following is an entry in ClinVar:

NM_000051.4(ATM):c.6424A>G (p.Thr2142Ala)

Genes: C11orf65 (chromosome 11 open reading frame 65; minus strand), ATM (ATM serine/threonine kinase; plus strand). Cytogenetic location: 11q22.3.
Variant type: single nucleotide variant.
Coding change: c.6424A>G on transcript NM_000051.4 (MANE Select); coding-DNA position 6424, A replaced by G.
Protein change: p.Thr2142Ala; replaces threonine 2142 with alanine.
Molecular consequence: missense variant. On other transcripts: intron variant (2).
Genome position (GRCh38, 1-based): chr11:108,320,030, A>G. VCF-style: chr11-108320030-A-G. GRCh37 (hg19) VCF-style: chr11-108190757-A-G.
Other names: c.6424A>G, p.Thr2142Ala (NM_001351834.2); c.641-10959T>C (NM_001330368.2); c.*39-10959T>C (NM_001351110.2); short protein forms T2142A.
Identifiers: ClinVar variation 478935 (VCV000478935.74), dbSNP rs1263398076, ClinGen allele CA382553509.

ClinVar aggregate classification (germline): Uncertain significance. Review status: criteria provided, multiple submitters, no conflicts (2 of 4 stars). 7 submissions from 7 submitters: Uncertain significance (6). 1 of the submissions does not count toward it. Last evaluated 2026-01-26.

Conditions:
Hereditary cancer-predisposing syndrome. Also called: Neoplastic Syndromes, Hereditary; Hereditary Cancer Syndrome; Tumor predisposition; Hereditary neoplastic syndrome. Identifiers: Orphanet 140162, MedGen C0027672, MeSH D009386, MONDO:0015356.
Familial cancer of breast. Also called: Hereditary breast cancer; BREAST CANCER, FAMILIAL; hereditary breast carcinoma. Identifiers: Orphanet 227535, MedGen C0346153, MONDO:0016419, OMIM 114480. Disease mechanism: loss of function.
Ataxia-telangiectasia syndrome (AT). Also called: LOUIS-BAR SYNDROME; Cerebello-oculocutaneous telangiectasia; Immunodeficiency with ataxia telangiectasia; Ataxia-telangiectasia, complementation group D; AT, COMPLEMENTATION GROUP C; Ataxia-telangiectasia, complementation group E. Identifiers: Orphanet 100, MedGen C0004135, MONDO:0008840, OMIM 208900.

Allele frequency attached by ClinVar (database versions not stated): TOPMed 0.00001; gnomAD exomes below 0.00001.
gnomAD v4.1: 1 of 1,607,864 alleles (0.000062%); highest among the groups gnomAD compares: Non-Finnish European, 0.000085%; no homozygotes.

Submissions (7):

Labcorp Genetics (formerly Invitae), Labcorp
Classification: Uncertain significance for Ataxia-telangiectasia syndrome. Last evaluated: 2026-01-26. Review status: criteria provided, single submitter. Criteria: Invitae Variant Classification Sherloc (09022015). Collection method: clinical testing. Allele origin: germline.
Comment: This sequence change replaces threonine, which is neutral and polar, with alanine, which is neutral and non-polar, at codon 2142 of the ATM protein (p.Thr2142Ala). This variant is present in population databases (no rsID available, gnomAD 0.0009%). This variant has not been reported in the literature in individuals affected with ATM-related conditions. ClinVar contains an entry for this variant (Variation ID: 478935). Invitae Evidence Modeling of protein sequence and biophysical properties (such as structural, functional, and spatial information, amino acid conservation, physicochemical variation, residue mobility, and thermodynamic stability) indicates that this missense variant is not expected to disrupt ATM protein function with a negative predictive value of 95%. In summary, the available evidence is currently insufficient to determine the role of this variant in disease. Therefore, it has been classified as a Variant of Uncertain Significance.

Ambry Genetics
Classification: Uncertain significance for Hereditary cancer-predisposing syndrome. Last evaluated: 2025-07-12. Review status: criteria provided, single submitter. Criteria: Ambry Variant Classification Scheme 2023. Collection method: clinical testing. Allele origin: germline.
Comment: The p.T2142A variant (also known as c.6424A>G), located in coding exon 43 of the ATM gene, results from an A to G substitution at nucleotide position 6424. The threonine at codon 2142 is replaced by alanine, an amino acid with similar properties. This amino acid position is not well conserved in available vertebrate species. In addition, this alteration is predicted to be tolerated by in silico analysis. Since supporting evidence is limited at this time, the clinical significance of this alteration remains unclear.

Color Diagnostics, LLC DBA Color Health
Classification: Uncertain significance for Hereditary cancer-predisposing syndrome. Last evaluated: 2024-12-17. Review status: criteria provided, single submitter. Criteria: ACMG Guidelines, 2015. Collection method: clinical testing. Allele origin: germline.
Comment: This missense variant replaces threonine with alanine at codon 2142 of the ATM protein. Computational prediction suggests that this variant may not impact protein structure and function. To our knowledge, functional studies have not been reported for this variant. This variant has not been reported in individuals affected with hereditary cancer in the literature. This variant has been identified in 1/249418 chromosomes in the general population by the Genome Aggregation Database (gnomAD). The available evidence is insufficient to determine the role of this variant in disease conclusively. Therefore, this variant is classified as a Variant of Uncertain Significance.

Baylor Genetics
Classification: Uncertain significance for Familial cancer of breast. Last evaluated: 2024-03-06. Review status: criteria provided, single submitter. Criteria: ACMG Guidelines, 2015. Collection method: clinical testing. Allele origin: unknown.

GeneDx
Classification: Uncertain significance. Last evaluated: 2023-08-21. Review status: criteria provided, single submitter. Criteria: GeneDx Variant Classification Process June 2021. Collection method: clinical testing. Allele origin: germline. Affected: yes.
Comment: Not observed at significant frequency in large population cohorts (gnomAD); In silico analysis supports that this missense variant does not alter protein structure/function; Has not been previously published as pathogenic or benign to our knowledge; This variant is associated with the following publications: (PMID: 23532176)

Genetic Services Laboratory, University of Chicago
Classification: Uncertain significance. Last evaluated: 2019-11-22. Review status: criteria provided, single submitter. Criteria: ACMG Guidelines, 2015. Collection method: clinical testing. Allele origin: germline. Affected: no.

Natera, Inc.
Classification: Uncertain significance for Ataxia-telangiectasia. Last evaluated: 2020-09-23. Review status: no assertion criteria provided. Collection method: clinical testing. Allele origin: germline. Not counted in ClinVar's aggregate classification.